The following is an entry in ClinVar:

NM_001267550.2(TTN):c.29220C>A (p.Asn9740Lys)

Gene: TTN (titin; minus strand). Cytogenetic location: 2q31.2.
Variant type: single nucleotide variant.
Coding change: c.29220C>A on transcript NM_001267550.2 (MANE Select); coding-DNA position 29220, C replaced by A.
Protein change: p.Asn9740Lys; replaces asparagine 9740 with lysine.
Molecular consequence: missense variant. On other transcripts: intron variant (3).
Genome position (GRCh38, 1-based): chr2:178,706,654, G>T on the plus strand (C>A on the coding strand, the complement: TTN is on the minus strand). VCF-style: chr2-178706654-G-T. GRCh37 (hg19) VCF-style: chr2-179571381-G-T.
Other names: c.28269C>A, p.Asn9423Lys (NM_001256850.1); c.25488C>A, p.Asn8496Lys (NM_133378.4); c.13282+31428C>A (NM_003319.4); c.13858+31428C>A (NM_133437.4); c.13657+31428C>A (NM_133432.3); short protein forms N8496K, N9423K, N9740K.
Identifiers: ClinVar variation 5016726 (VCV005016726.1).
Genomic context (GRCh38, chr2:178,706,654, plus strand): 5'-GTCCCTAATCTCCAGTTTTGCTTCATCGCCTTTTTGGTGGATGAAAACACGACCTCCTTG[G>T]TTCAGCTGTCTCCACTTCCCTTTTGTCCATTTAACATTTGGGATTGGGTCACCTCCAACT-3'
Protein context (NP_001254479.2, residues 9730-9750): KWTKGKWRQL[Asn9740Lys]QGGRVFIHQK

ClinVar aggregate classification (germline): Uncertain significance (1 of 4 stars; one submission).

gnomAD v4.1: 13 of 1,613,728 alleles (0.00081%); highest among the groups gnomAD compares: African/African-American, 0.0013%; no homozygotes.

Submission:

GeneDx
Classification: Uncertain significance. Last evaluated: 2026-04-07. Review status: criteria provided, single submitter. Criteria: GeneDx Variant Classification Process June 2021. Collection method: clinical testing. Allele origin: germline.
Comment: Not observed at significant frequency in large population cohorts (gnomAD); Missense variant in a gene in which most reported pathogenic variants are truncating/loss of function; Has not been previously published as pathogenic or benign to our knowledge